The following is an entry in ClinVar:

NM_001267550.2(TTN):c.21553A>T (p.Ile7185Phe)

Gene: TTN (titin; minus strand). Cytogenetic location: 2q31.2.
Variant type: single nucleotide variant.
Coding change: c.21553A>T on transcript NM_001267550.2 (MANE Select); coding-DNA position 21553, A replaced by T.
Protein change: p.Ile7185Phe; replaces isoleucine 7185 with phenylalanine.
Molecular consequence: missense variant. On other transcripts: intron variant (3).
Genome position (GRCh38, 1-based): chr2:178,723,547, T>A on the plus strand (A>T on the coding strand, the complement: TTN is on the minus strand). VCF-style: chr2-178723547-T-A. GRCh37 (hg19) VCF-style: chr2-179588274-T-A.
Other names: p.I6868F:ATC>TTC; c.20602A>T, p.Ile6868Phe (NM_001256850.1); c.17821A>T, p.Ile5941Phe (NM_133378.4); c.13282+14535A>T (NM_003319.4); c.13858+14535A>T (NM_133437.4); c.13657+14535A>T (NM_133432.3); short protein forms I6868F, I7185F, I5941F.
Identifiers: ClinVar variation 203298 (VCV000203298.3), dbSNP rs552242411, ClinGen allele CA311962.

ClinVar aggregate classification (germline): Conflicting classifications of pathogenicity. Review status: criteria provided, conflicting classifications (1 of 4 stars). 2 submissions from 2 submitters: Uncertain significance (1); Likely benign (1). Last evaluated 2021-11-11.

Allele frequency attached by ClinVar (database versions not stated): gnomAD exomes below 0.00001 and 0.00002; TOPMed below 0.00001; ExAC 0.00001; gnomAD 0.00001; 1000 Genomes Project 30x 0.00016; 1000 Genomes Project 0.00020.
gnomAD v4.1: 18 of 1,613,462 alleles (0.0011%); highest among the groups gnomAD compares: Non-Finnish European, 0.0014%; no homozygotes.

Submissions (2):

Blueprint Genetics
Classification: Likely benign. Last evaluated: 2021-11-11. Review status: criteria provided, single submitter. Criteria: ACMG Guidelines, 2015. Collection method: clinical testing. Allele origin: germline.

GeneDx
Classification: Uncertain significance. Last evaluated: 2013-09-11. Review status: criteria provided, single submitter. Criteria: GeneDx Variant Classification (06012015). Collection method: clinical testing. Allele origin: germline. Affected: yes.
Comment: Missense variants in the TTN gene are considered 'unclassified' if they are not previously reported in the literature and do not have >1% frequency in the population to be considered a polymorphism. Research indicates that truncating mutations in the TTN gene are expected to account for approximately 25% of familial and 18% of sporadic idiopathic DCM; however, truncating variants in the TTN gene have been reported in approximately 3% of reported control alleles. There has been little investigation into non-truncating variants. (Herman D et al. Truncations of titin causing dilated cardiomyopathy. N Eng J Med 366:619-628, 2012) The variant is found in DCM panel(s).